The following is an entry in ClinVar:

ClinVar aggregate classification (germline): Uncertain significance (1 of 4 stars; one submission).

Allele frequency attached by ClinVar (database versions not stated): TOPMed below 0.00001; gnomAD 0.00001.
gnomAD v4.1: 2 of 1,613,482 alleles (0.00012%); highest among the groups gnomAD compares: African/African-American, 0.0027%; no homozygotes.

Submission:

Women's Health and Genetics/Laboratory Corporation of America, LabCorp
Classification: Uncertain significance. Last evaluated: 2020-10-19. Review status: criteria provided, single submitter. Criteria: LabCorp Variant Classification Summary - May 2015. Collection method: clinical testing. Allele origin: germline.
Comment: Variant summary: ACTA2 c.991-7C>T alters a conserved nucleotide located close to a canonical splice site and therefore could affect mRNA splicing, leading to a significantly altered protein sequence. 4/4 computational tools predict no significant impact on normal splicing. However, these predictions have yet to be confirmed by functional studies. The variant was absent in 251074 control chromosomes. The available data on variant occurrences in the general population are insufficient to allow any conclusion about variant significance. To our knowledge, no occurrence of c.991-7C>T in individuals affected with Thoracic Aortic Aneurysms And Dissections and no experimental evidence demonstrating its impact on protein function have been reported. No clinical diagnostic laboratories have submitted clinical-significance assessments for this variant to ClinVar after 2014. Based on the evidence outlined above, the variant was classified as uncertain significance.

NM_001613.4(ACTA2):c.991-7C>T

Genes: ACTA2 (actin alpha 2, smooth muscle; minus strand), ACTA2-AS1 (ACTA2 antisense RNA 1; plus strand). Cytogenetic location: 10q23.31.
Variant type: single nucleotide variant.
Coding change: c.991-7C>T on transcript NM_001613.4 (MANE Select); 7 bases into the intron before coding-DNA position 991, C replaced by T.
Molecular consequence: intron variant. On other transcripts: non-coding transcript variant (1).
Genome position (GRCh38, 1-based): chr10:88,935,373, G>A on the plus strand (C>T on the coding strand, the complement: ACTA2 is on the minus strand). VCF-style: chr10-88935373-G-A. GRCh37 (hg19) VCF-style: chr10-90695130-G-A.
Other names: c.991-7C>T (NM_001320855.2, NM_001406462.1, NM_001141945.3 and 2 more transcripts); c.862-7C>T (NM_001406468.1, NM_001406469.1, NM_001406467.1); c.799-7C>T (NM_001406471.1); c.880-7C>T (NM_001406466.1).
Identifiers: ClinVar variation 984447 (VCV000984447.3), dbSNP rs765100909, ClinGen allele CA470729136.